The following is an entry in ClinVar:

NM_016580.4(PCDH12):c.2423G>A (p.Trp808Ter)

Genes: PCDH12 (protocadherin 12; minus strand), RNF14 (ring finger protein 14; plus strand). Cytogenetic location: 5q31.3.
Variant type: single nucleotide variant.
Coding change: c.2423G>A on transcript NM_016580.4 (MANE Select); coding-DNA position 2423, G replaced by A.
Protein change: p.Trp808Ter; replaces tryptophan 808 with a stop codon.
Molecular consequence: nonsense.
Genome position (GRCh38, 1-based): chr5:141,955,429, C>T on the plus strand (G>A on the coding strand, the complement: PCDH12 is on the minus strand). VCF-style: chr5-141955429-C-T. GRCh37 (hg19) VCF-style: chr5-141334994-C-T.
Other names: short protein forms W808*.
Identifiers: ClinVar variation 5000029 (VCV005000029.1).

ClinVar aggregate classification (germline): Likely pathogenic (1 of 4 stars; one submission).

Conditions:
PCDH12-related disorder. Also called: PCDH12-related condition.

Submission:

PreventionGenetics, part of Exact Sciences
Classification: Likely pathogenic for PCDH12-related condition. Last evaluated: 2025-05-06. Review status: criteria provided, single submitter. Criteria: ACMG Guidelines, 2015. Collection method: clinical testing. Allele origin: germline.
Comment: The PCDH12 c.2423G>A variant is predicted to result in premature protein termination (p.Trp808*). To our knowledge, this variant has not been reported in the literature or in a large population database (gnomAD), indicating this variant is rare. An alternate nucleotide change resulting in the same premature protein truncation (c.2424C>A (p.W808*)) has been observed in the homozygous state in individuals with features of PCDH12-related disease such as axial hypotonia, optic nerve atrophy, and generalized cerebral atrophy (Fazeli et al. 2023. PubMed ID: 34773825). Nonsense variants in PCDH12 are expected to be pathogenic. This variant is interpreted as likely pathogenic.